The following is an entry in ClinVar:

ClinVar aggregate classification (germline): Uncertain significance (1 of 4 stars; one submission).

gnomAD v4.1: 1 of 1,613,954 alleles (0.000062%); highest among the groups gnomAD compares: Non-Finnish European, 0.000085%; no homozygotes.

Submission:

Ambry Genetics
Classification: Uncertain significance. Last evaluated: 2025-10-25. Review status: criteria provided, single submitter. Criteria: Ambry Variant Classification Scheme 2023. Collection method: clinical testing. Allele origin: germline.
Comment: The p.P481R variant (also known as c.1442C>G), located in coding exon 8 of the PKP4 gene, results from a C to G substitution at nucleotide position 1442. The proline at codon 481 is replaced by arginine, an amino acid with dissimilar properties. This amino acid position is conserved. In addition, this alteration is predicted to be deleterious by in silico analysis. Based on the available evidence, the clinical significance of this variant remains unclear.

NM_003628.6(PKP4):c.1442C>G (p.Pro481Arg)

Gene: PKP4 (plakophilin 4; plus strand). Cytogenetic location: 2q24.1.
Variant type: single nucleotide variant.
Coding change: c.1442C>G on transcript NM_003628.6 (MANE Select); coding-DNA position 1442, C replaced by G.
Protein change: p.Pro481Arg; replaces proline 481 with arginine.
Molecular consequence: missense variant.
Genome position (GRCh38, 1-based): chr2:158,634,169, C>G. VCF-style: chr2-158634169-C-G. GRCh37 (hg19) VCF-style: chr2-159490681-C-G.
Other names: c.1442C>G, p.Pro481Arg (NM_001005476.4, NM_001304971.2, NM_001377218.1 and 1 more transcripts); c.1439C>G, p.Pro480Arg (NM_001304969.3, NM_001377219.1, NM_001377220.1 and 2 more transcripts); c.413C>G, p.Pro138Arg (NM_001304970.3); c.1436C>G, p.Pro479Arg (NM_001377222.1, NM_001377223.1); c.1433C>G, p.Pro478Arg (NM_001377224.1); short protein forms P138R, P478R, P479R, P480R, P481R.
Identifiers: ClinVar variation 4568597 (VCV004568597.1).